The following is an entry in ClinVar:

ClinVar aggregate classification (germline): Uncertain significance (1 of 4 stars; one submission).

Conditions:
Chédiak-Higashi syndrome (CHS). Also called: Chediak-Higashi Syndrome. Identifiers: Orphanet 167, MedGen C0007965, MONDO:0008963, OMIM 214500.

Submission:

Labcorp Genetics (formerly Invitae), Labcorp
Classification: Uncertain significance for Chédiak-Higashi syndrome. Last evaluated: 2022-05-06. Review status: criteria provided, single submitter. Criteria: Invitae Variant Classification Sherloc (09022015). Collection method: clinical testing. Allele origin: germline.
Comment: In summary, the available evidence is currently insufficient to determine the role of this variant in disease. Therefore, it has been classified as a Variant of Uncertain Significance. Experimental studies and prediction algorithms are not available or were not evaluated, and the functional significance of this variant is currently unknown. This variant has not been reported in the literature in individuals affected with LYST-related conditions. This variant is not present in population databases (gnomAD no frequency). This variant, c.1874_1876del, results in the deletion of 1 amino acid(s) of the LYST protein (p.Gly625del), but otherwise preserves the integrity of the reading frame.

NM_000081.4(LYST):c.1871GAG[1] (p.Gly625del)

Gene: LYST (lysosomal trafficking regulator; minus strand). Cytogenetic location: 1q42.3.
Variant type: Microsatellite.
Coding change: c.1871GAG[1] on transcript NM_000081.4 (MANE Select); one copy of the 3-base unit GAG starting at c.1871; the reference has two copies in a row; one copy, 3 bases deleted.
Protein change: p.Gly625del; deletes glycine 625.
Molecular consequence: inframe deletion.
Genome position (GRCh38, 1-based): chr1:235,808,942-235,808,944, CTC deleted on the plus strand (GAG on the coding strand, the reverse complement: LYST is on the minus strand); deleting any 3 consecutive bases within chr1:235,808,942-235,808,949 gives the same sequence; the position shown is the placement nearest the transcript's 3' end. VCF-style (leftmost placement, unchanged base first): chr1-235808941-GCTC-G. GRCh37 (hg19) VCF-style: chr1-235972241-GCTC-G.
Other names: c.1871GAG[1], p.Gly625del (NM_001301365.1); short protein forms G625del.
Identifiers: ClinVar variation 1354754 (VCV001354754.7), dbSNP rs2527108913, ClinGen allele CA2580611248.